The following is an entry in ClinVar:

NM_030928.4(CDT1):c.160C>T (p.Pro54Ser)

Gene: CDT1 (chromatin licensing and DNA replication factor 1; plus strand). Cytogenetic location: 16q24.3.
Variant type: single nucleotide variant.
Coding change: c.160C>T on transcript NM_030928.4 (MANE Select); coding-DNA position 160, C replaced by T.
Protein change: p.Pro54Ser; replaces proline 54 with serine.
Molecular consequence: missense variant.
Genome position (GRCh38, 1-based): chr16:88,803,991, C>T. VCF-style: chr16-88803991-C-T. GRCh37 (hg19) VCF-style: chr16-88870399-C-T.
Other names: short protein forms P54S.
Identifiers: ClinVar variation 1944975 (VCV001944975.5), dbSNP rs2508193297, ClinGen allele CA397070408.
Genomic context (GRCh38, chr16:88,803,991, plus strand): 5'-AGGCCCGCACTCCGCGCCCCGGCCTCCGCTACCAGTGGCAGCCGCAAGCGCGCCCGCCCG[C>T]CCGCCGCCCCCGGACGCGACCAGGCCAGGCCACCGGCCCGCAGGAGACTGCGGCTGTCGG-3'
Protein context (NP_112190.2, residues 44-64): TSGSRKRARP[Pro54Ser]AAPGRDQARP

ClinVar aggregate classification (germline): Uncertain significance (1 of 4 stars; one submission).

Submission:

Labcorp Genetics (formerly Invitae), Labcorp
Classification: Uncertain significance. Last evaluated: 2022-07-19. Review status: criteria provided, single submitter. Criteria: Invitae Variant Classification Sherloc (09022015). Collection method: clinical testing. Allele origin: germline.
Comment: In summary, the available evidence is currently insufficient to determine the role of this variant in disease. Therefore, it has been classified as a Variant of Uncertain Significance. Algorithms developed to predict the effect of missense changes on protein structure and function output the following: SIFT: "Tolerated"; PolyPhen-2: "Benign"; Align-GVGD: "Class C0". The serine amino acid residue is found in multiple mammalian species, which suggests that this missense change does not adversely affect protein function. This variant has not been reported in the literature in individuals affected with CDT1-related conditions. This variant is not present in population databases (gnomAD no frequency). This sequence change replaces proline, which is neutral and non-polar, with serine, which is neutral and polar, at codon 54 of the CDT1 protein (p.Pro54Ser).